The following is an entry in ClinVar:

NM_001017420.3(ESCO2):c.184_185insG (p.Thr62fs)

Gene: ESCO2 (establishment of sister chromatid cohesion N-acetyltransferase 2; plus strand). Cytogenetic location: 8p21.1.
Variant type: Insertion.
Coding change: c.184_185insG on transcript NM_001017420.3 (MANE Select); coding-DNA positions 184 to 185, G inserted.
Protein change: p.Thr62fs; shifts the reading frame from threonine 62.
Molecular consequence: frameshift variant.
Genome position: GRCh38 VCF-style: chr8-27776492-A-AG. GRCh37 (hg19) VCF-style: chr8-27634009-A-AG.
Other names: c.184_185insG (NM_001017420.2); short protein forms T62fs.
Identifiers: ClinVar variation 3595474 (VCV003595474.3).

ClinVar aggregate classification (germline): Likely pathogenic. Review status: criteria provided, multiple submitters, no conflicts (2 of 4 stars). 2 submissions from 2 submitters: Likely pathogenic (2). Last evaluated 2025-03-18.

Conditions:
Roberts-SC phocomelia syndrome (RBS). Also called: LONG BONE DEFICIENCIES ASSOCIATED WITH CLEFT LIP-PALATE; ESCO2 Spectrum Disorder; Hypomelia hypotrichosis facial hemangioma syndrome; Pseudothalidomide syndrome; Appelt-Gerken-Lenz syndrome. Identifiers: Orphanet 3103, MedGen C0392475, MONDO:0100253, OMIM 268300.
Juberg-Hayward syndrome (JHS). Also called: Cleft lip/palate with abnormal thumbs and microcephaly; OROCRANIODIGITAL SYNDROME. Identifiers: Orphanet 2319, MedGen C0796099, MONDO:0008992, OMIM 216100.

Submissions (2):

Natera, Inc.
Classification: Likely pathogenic for Roberts syndrome. Last evaluated: 2025-03-18. Review status: criteria provided, single submitter. Criteria: Natera Variant Classification Schema (03/2026). Collection method: clinical testing. Allele origin: germline.
Comment: The c.184_185insG variant in ESCO2 is a frameshift variant predicted to shift the reading frame beginning at codon 62 and leads to a stop codon 3 codons downstream. This variant is expected to result in nonsense mediated decay, truncation, or a dysfunctional protein product. This variant is rare in the general population with a frequency below the threshold expected for the associated phenotype(s). Given the available evidence, this variant is classified as Likely Pathogenic.

Fulgent Genetics
Classification: Likely pathogenic for Juberg-Hayward syndrome; Roberts-SC phocomelia syndrome. Last evaluated: 2024-02-07. Review status: criteria provided, single submitter. Criteria: ACMG Guidelines, 2015. Collection method: clinical testing. Allele origin: germline.